The following is an entry in ClinVar:

ClinVar aggregate classification (germline): Pathogenic (1 of 4 stars; one submission).

Conditions:
Spondyloepimetaphyseal dysplasia, PAPSS2 type. Also called: SEMD, PAKISTANI TYPE; BRACHYOLMIA TYPE 4 WITH MILD EPIPHYSEAL AND METAPHYSEAL CHANGES; SPONDYLODYSPLASIA AND PREMATURE PUBARCHE. Identifiers: Orphanet 93282, MedGen C2748516, MONDO:0019666, OMIM 612847.

Allele frequency attached by ClinVar (database versions not stated): gnomAD 0.00002; gnomAD exomes 0.00002; ExAC 0.00003; TOPMed 0.00005; ESP Exome Variant Server 0.00008.
gnomAD v4.1: 17 of 1,614,042 alleles (0.0011%); highest among the groups gnomAD compares: African/African-American, 0.0053%; no homozygotes.

Submission:

Labcorp Genetics (formerly Invitae), Labcorp
Classification: Pathogenic for Spondyloepimetaphyseal dysplasia, PAPSS2 type. Last evaluated: 2022-09-19. Review status: criteria provided, single submitter. Criteria: Invitae Variant Classification Sherloc (09022015). Collection method: clinical testing. Allele origin: germline.
Comment: For these reasons, this variant has been classified as Pathogenic. ClinVar contains an entry for this variant (Variation ID: 1074284). This variant has not been reported in the literature in individuals affected with PAPSS2-related conditions. This variant is present in population databases (rs138386772, gnomAD 0.01%). This sequence change creates a premature translational stop signal (p.Arg556*) in the PAPSS2 gene. It is expected to result in an absent or disrupted protein product. Loss-of-function variants in PAPSS2 are known to be pathogenic (PMID: 22791835, 23633440).

Literature cited by the submitters: PubMed 22791835; PubMed 23633440.

NM_001015880.2(PAPSS2):c.1666C>T (p.Arg556Ter)

Gene: PAPSS2 (3'-phosphoadenosine 5'-phosphosulfate synthase 2; plus strand). Cytogenetic location: 10q23.31.
Variant type: single nucleotide variant.
Coding change: c.1666C>T on transcript NM_001015880.2 (MANE Select); coding-DNA position 1666, C replaced by T.
Protein change: p.Arg556Ter; replaces arginine 556 with a stop codon.
Molecular consequence: nonsense.
Genome position (GRCh38, 1-based): chr10:87,745,176, C>T. VCF-style: chr10-87745176-C-T. GRCh37 (hg19) VCF-style: chr10-89504933-C-T.
Other names: c.1651C>T, p.Arg551Ter (NM_004670.4); short protein forms R551*, R556*.
Identifiers: ClinVar variation 1074284 (VCV001074284.4), dbSNP rs138386772, ClinGen allele CA5589810.
Genomic context (GRCh38, chr10:87,745,176, plus strand): 5'-CATGGGGGCAAGGTCTTGAGCATGGCCCCTGGCCTCACCTCTGTGGAAATCATTCCATTC[C>T]GAGTGGCTGCCTACAACAAAGCCAAAAAAGCCATGGACTTCTATGATCCAGCAAGGTAGG-3'